The following is an entry in ClinVar:

NM_021020.5(LZTS1):c.346-9C>T

Gene: LZTS1 (leucine zipper tumor suppressor 1; minus strand). Cytogenetic location: 8p21.3.
Variant type: single nucleotide variant.
Coding change: c.346-9C>T on transcript NM_021020.5 (MANE Select); 9 bases into the intron before coding-DNA position 346, C replaced by T.
Molecular consequence: intron variant.
Genome position (GRCh38, 1-based): chr8:20,253,594, G>A on the plus strand (C>T on the coding strand, the complement: LZTS1 is on the minus strand). VCF-style: chr8-20253594-G-A. GRCh37 (hg19) VCF-style: chr8-20111105-G-A.
Other names: c.346-9C>T (NM_001362884.2, NM_021020.3).
Identifiers: ClinVar variation 1600469 (VCV001600469.10), dbSNP rs188889890, ClinGen allele CA4657532.

ClinVar aggregate classification (germline): Benign. Review status: criteria provided, single submitter (1 of 4 stars). 2 submissions from 2 submitters: Benign (1). 1 of the submissions does not count toward it. Last evaluated 2026-02-01.

Conditions:
LZTS1-related disorder. Also called: LZTS1-related condition.

Allele frequency attached by ClinVar (database versions not stated): 1000 Genomes Project 0.00020; 1000 Genomes Project 30x 0.00031; gnomAD exomes 0.00063 and 0.00130; TOPMed 0.00069; ExAC 0.00076; gnomAD 0.00078 and 0.00081.
gnomAD v4.1: 1,794 of 1,442,090 alleles (0.12%); highest among the groups gnomAD compares: Non-Finnish European, 0.15%; 1 homozygote.

Submissions (2):

Labcorp Genetics (formerly Invitae), Labcorp
Classification: Benign. Last evaluated: 2026-02-01. Review status: criteria provided, single submitter. Criteria: Invitae Variant Classification Sherloc (09022015). Collection method: clinical testing. Allele origin: germline.

PreventionGenetics, part of Exact Sciences
Classification: Likely benign for LZTS1-related condition. Last evaluated: 2019-09-10. Review status: no assertion criteria provided. Collection method: clinical testing. Allele origin: germline. Not counted in ClinVar's aggregate classification.
Comment: This variant is classified as likely benign based on ACMG/AMP sequence variant interpretation guidelines (Richards et al. 2015 PMID: 25741868, with internal and published modifications).